The following is an entry in ClinVar:

ClinVar aggregate classification (germline): Pathogenic (1 of 4 stars; one submission).

Conditions:
Fanconi anemia (FA). Also called: Fanconi's anemia. Identifiers: Orphanet 84, MedGen C0015625, MeSH D005199, MONDO:0019391.

Submission:

Labcorp Genetics (formerly Invitae), Labcorp
Classification: Pathogenic for Fanconi anemia. Last evaluated: 2024-08-29. Review status: criteria provided, single submitter. Criteria: Invitae Variant Classification Sherloc (09022015). Collection method: clinical testing. Allele origin: germline.
Comment: This sequence change creates a premature translational stop signal (p.Cys210*) in the FANCM gene. It is expected to result in an absent or disrupted protein product. Loss-of-function variants in FANCM are known to be pathogenic (PMID: 29895858, 30075111). This variant is not present in population databases (gnomAD no frequency). This variant has not been reported in the literature in individuals affected with FANCM-related conditions. Algorithms developed to predict the effect of sequence changes on RNA splicing suggest that this variant may disrupt the consensus splice site. For these reasons, this variant has been classified as Pathogenic.

Literature cited by the submitters: PubMed 29895858; PubMed 30075111.

NM_020937.4(FANCM):c.629_632del (p.Lys209_Cys210insTer)

Gene: FANCM (FA complementation group M; plus strand). Cytogenetic location: 14q21.2.
Variant type: Deletion.
Coding change: c.629_632del on transcript NM_020937.4 (MANE Select); coding-DNA positions 629 to 632, 4 bases deleted (GTTT; older notation c.629_632delGTTT).
Protein change: p.Lys209_Cys210insTer.
Molecular consequence: nonsense.
Genome position (GRCh38, 1-based): chr14:45,137,189-45,137,192, GTTT deleted; deleting any 4 consecutive bases within chr14:45,137,188-45,137,192 gives the same sequence; the c. name uses the placement nearest the transcript's 3' end. VCF-style (leftmost placement, unchanged base first): chr14-45137187-GTGTT-G. GRCh37 (hg19) VCF-style: chr14-45606390-GTGTT-G.
Other names: c.629_632del, p.Lys209_Cys210insTer (NM_001308133.2, NM_001308134.2).
Identifiers: ClinVar variation 3634211 (VCV003634211.2).